The following is an entry in ClinVar:

ClinVar aggregate classification (germline): Uncertain significance (1 of 4 stars; one submission).

Conditions:
Nephronophthisis-like nephropathy 1 (NPHPL1). Identifiers: Orphanet 655, MedGen C3150419, MONDO:0013163, OMIM 613159.

Allele frequency attached by ClinVar (database versions not stated): gnomAD exomes below 0.00001; ExAC 0.00001; gnomAD 0.00001; TOPMed 0.00001.
gnomAD v4.1: 6 of 1,614,042 alleles (0.00037%); highest among the groups gnomAD compares: Non-Finnish European, 0.00051%; no homozygotes.

Submission:

Labcorp Genetics (formerly Invitae), Labcorp
Classification: Uncertain significance for Nephronophthisis-like nephropathy 1. Last evaluated: 2019-01-08. Review status: criteria provided, single submitter. Criteria: Invitae Variant Classification Sherloc (09022015). Collection method: clinical testing. Allele origin: germline.
Comment: This sequence change replaces alanine with valine at codon 73 of the XPNPEP3 protein (p.Ala73Val). The alanine residue is moderately conserved and there is a small physicochemical difference between alanine and valine. This variant is present in population databases (rs747953049, ExAC 0.001%). This variant has not been reported in the literature in individuals with XPNPEP3-related conditions. Algorithms developed to predict the effect of missense changes on protein structure and function (SIFT, PolyPhen-2, Align-GVGD) all suggest that this variant is likely to be tolerated, but these predictions have not been confirmed by published functional studies and their clinical significance is uncertain. In summary, the available evidence is currently insufficient to determine the role of this variant in disease. Therefore, it has been classified as a Variant of Uncertain Significance.

NM_022098.4(XPNPEP3):c.218C>T (p.Ala73Val)

Gene: XPNPEP3 (X-prolyl aminopeptidase 3; plus strand). Cytogenetic location: 22q13.2.
Variant type: single nucleotide variant.
Coding change: c.218C>T on transcript NM_022098.4 (MANE Select); coding-DNA position 218, C replaced by T.
Protein change: p.Ala73Val; replaces alanine 73 with valine.
Molecular consequence: missense variant.
Genome position (GRCh38, 1-based): chr22:40,881,806, C>T. VCF-style: chr22-40881806-C-T. GRCh37 (hg19) VCF-style: chr22-41277810-C-T.
Other names: short protein forms A73V.
Identifiers: ClinVar variation 853210 (VCV000853210.1), dbSNP rs747953049, ClinGen allele CA10251602.
Genomic context (GRCh38, chr22:40,881,806, plus strand): 5'-ATCCCTTTTATTTGTCATTTCTAGGGGAGGTAACTCCAGGACTATCTCAGGTGGAATATG[C>T]ACTTCGCAGACACAAACTAATGTCTCTGATCCAGAAGGAAGCTCAAGGGCAGAGTGGGAC-3'
Protein context (NP_071381.1, residues 63-83): VTPGLSQVEY[Ala73Val]LRRHKLMSLI